The following is an entry in ClinVar:

ClinVar aggregate classification (germline): Uncertain significance. Review status: criteria provided, multiple submitters, no conflicts (2 of 4 stars). 3 submissions from 3 submitters: Uncertain significance (3). Last evaluated 2025-07-07.

Conditions:
Osteogenesis imperfecta type I (OI1). Also called: OI, TYPE I; OSTEOGENESIS IMPERFECTA TARDA; OSTEOGENESIS IMPERFECTA WITH BLUE SCLERAE; Osteogenesis imperfecta type 1; Lobstein's Disease; Lobstein disease. Identifiers: Orphanet 216796, Orphanet 666, MedGen C0023931, MONDO:0008146, OMIM 166200. Disease mechanism: loss of function.
Ehlers-Danlos syndrome, classic type, 1 (EDSCL1). Also called: EHLERS-DANLOS SYNDROME, GRAVIS TYPE; EHLERS-DANLOS SYNDROME, SEVERE CLASSIC TYPE; EDS I; Ehlers-Danlos syndrome, type 1; Ehlers-Danlos Syndrome, Classic Type, COL5A1-Related. Identifiers: MedGen C0268335, MONDO:0019567, OMIM 130000.

Allele frequency attached by ClinVar (database versions not stated): ExAC 0.00001; gnomAD 0.00001; gnomAD exomes 0.00001; TOPMed 0.00001.
gnomAD v4.1: 9 of 1,613,952 alleles (0.00056%); highest among the groups gnomAD compares: Non-Finnish European, 0.00076%; no homozygotes.

Submissions (3):

Labcorp Genetics (formerly Invitae), Labcorp
Classification: Uncertain significance for Osteogenesis imperfecta type I; Ehlers-Danlos syndrome, classic type, 1. Last evaluated: 2025-07-07. Review status: criteria provided, single submitter. Criteria: Invitae Variant Classification Sherloc (09022015). Collection method: clinical testing. Allele origin: germline.
Comment: This sequence change replaces proline, which is neutral and non-polar, with leucine, which is neutral and non-polar, at codon 477 of the COL1A2 protein (p.Pro477Leu). This variant is present in population databases (rs752940354, gnomAD 0.0009%). This variant has not been reported in the literature in individuals affected with COL1A2-related conditions. ClinVar contains an entry for this variant (Variation ID: 2497855). Invitae Evidence Modeling of protein sequence and biophysical properties (such as structural, functional, and spatial information, amino acid conservation, physicochemical variation, residue mobility, and thermodynamic stability) indicates that this missense variant is not expected to disrupt COL1A2 protein function with a negative predictive value of 95%. In summary, the available evidence is currently insufficient to determine the role of this variant in disease. Therefore, it has been classified as a Variant of Uncertain Significance.

CeGaT Center for Human Genetics Tuebingen
Classification: Uncertain significance. Last evaluated: 2024-01-01. Review status: criteria provided, single submitter. Criteria: CeGaT Center For Human Genetics Tuebingen Variant Classification Criteria Version 2. Collection method: clinical testing. Allele origin: germline. Affected: yes. Observed: 1 variant allele.
Comment: COL1A2: PM2

GeneDx
Classification: Uncertain significance. Last evaluated: 2022-10-06. Review status: criteria provided, single submitter. Criteria: GeneDx Variant Classification Process June 2021. Collection method: clinical testing. Allele origin: germline. Affected: yes.
Comment: Not observed at significant frequency in large population cohorts (gnomAD); In silico analysis supports that this missense variant has a deleterious effect on protein structure/function; Has not been previously published as pathogenic or benign to our knowledge; Occurs in the triple helical domain at the Y position in the canonical Gly-X-Y repeat; although this variant may have an effect on normal protein folding and function, missense substitution at the Y position is not a common mechanism of disease (HGMD)

NM_000089.4(COL1A2):c.1430C>T (p.Pro477Leu)

Gene: COL1A2 (collagen type I alpha 2 chain; plus strand). Cytogenetic location: 7q21.3.
Variant type: single nucleotide variant.
Coding change: c.1430C>T on transcript NM_000089.4 (MANE Select); coding-DNA position 1430, C replaced by T.
Protein change: p.Pro477Leu; replaces proline 477 with leucine.
Molecular consequence: missense variant.
Genome position (GRCh38, 1-based): chr7:94,412,609, C>T. VCF-style: chr7-94412609-C-T. GRCh37 (hg19) VCF-style: chr7-94041921-C-T.
Other names: short protein forms P477L.
Identifiers: ClinVar variation 2497855 (VCV002497855.26), dbSNP rs752940354, ClinGen allele CA4347059.